The following is an entry in ClinVar:

NM_181078.3(IL21R):c.515G>C (p.Arg172Thr)

Gene: IL21R (interleukin 21 receptor; plus strand). Cytogenetic location: 16p12.1.
Variant type: single nucleotide variant.
Coding change: c.515G>C on transcript NM_181078.3 (MANE Select); coding-DNA position 515, G replaced by C.
Protein change: p.Arg172Thr; replaces arginine 172 with threonine.
Molecular consequence: missense variant.
Genome position (GRCh38, 1-based): chr16:27,444,549, G>C. VCF-style: chr16-27444549-G-C. GRCh37 (hg19) VCF-style: chr16-27455870-G-C.
Other names: c.515G>C, p.Arg172Thr (NM_021798.4); c.581G>C, p.Arg194Thr (NM_181079.5); short protein forms R194T, R172T.
Identifiers: ClinVar variation 856698 (VCV000856698.9), dbSNP rs2087443936, ClinGen allele CA395303271.

ClinVar aggregate classification (germline): Uncertain significance (1 of 4 stars; one submission).

Conditions:
Cryptosporidiosis-chronic cholangitis-liver disease syndrome. Also called: Immunodeficiency type 56; IL21R immunodeficiency. Identifiers: Orphanet 357329, MedGen C3554687, MONDO:0014082, OMIM 615207.

Allele frequency attached by ClinVar (database versions not stated): TOPMed 0.00002.
gnomAD v4.1: 5 of 1,511,424 alleles (0.00033%); highest among the groups gnomAD compares: Non-Finnish European, 0.00044%; no homozygotes.

Submission:

Labcorp Genetics (formerly Invitae), Labcorp
Classification: Uncertain significance for Cryptosporidiosis-chronic cholangitis-liver disease syndrome. Last evaluated: 2025-02-17. Review status: criteria provided, single submitter. Criteria: Invitae Variant Classification Sherloc (09022015). Collection method: clinical testing. Allele origin: germline.
Comment: This sequence change replaces arginine, which is basic and polar, with threonine, which is neutral and polar, at codon 172 of the IL21R protein (p.Arg172Thr). This variant is not present in population databases (gnomAD no frequency). This variant has not been reported in the literature in individuals affected with IL21R-related conditions. ClinVar contains an entry for this variant (Variation ID: 856698). Invitae Evidence Modeling of protein sequence and biophysical properties (such as structural, functional, and spatial information, amino acid conservation, physicochemical variation, residue mobility, and thermodynamic stability) indicates that this missense variant is not expected to disrupt IL21R protein function with a negative predictive value of 80%. In summary, the available evidence is currently insufficient to determine the role of this variant in disease. Therefore, it has been classified as a Variant of Uncertain Significance.